The following is an entry in ClinVar:

ClinVar aggregate classification (germline): Likely benign. Review status: criteria provided, multiple submitters, no conflicts (2 of 4 stars). 2 submissions from 2 submitters: Likely benign (2). Last evaluated 2026-04-22.

Conditions:
Colorectal cancer, susceptibility to, 1. Also called: COLORECTAL ADENOMA AND CANCER, SUSCEPTIBILITY TO; COLORECTAL CANCER, SUSCEPTIBILITY TO, ON CHROMOSOME 9. Identifiers: MedGen C1837315, MONDO:0012132, OMIM 608812.

Submissions (2):

Myriad Genetics, Inc.
Classification: Likely benign for Colorectal cancer, susceptibility to, 1. Last evaluated: 2026-04-22. Review status: criteria provided, single submitter. Criteria: Myriad Autosomal Dominant, Autosomal Recessive and X-Linked Classification Criteria (2023). Collection method: clinical testing. Allele origin: unknown.
Comment: This variant is considered likely benign. This variant is intronic and is not expected to impact mRNA splicing.

Labcorp Genetics (formerly Invitae), Labcorp
Classification: Likely benign. Last evaluated: 2021-05-14. Review status: criteria provided, single submitter. Criteria: Invitae Variant Classification Sherloc (09022015). Collection method: clinical testing. Allele origin: germline.

NM_024642.5(GALNT12):c.1345-13_1345-12del

Gene: GALNT12 (polypeptide N-acetylgalactosaminyltransferase 12; plus strand). Cytogenetic location: 9q22.33.
Variant type: Deletion.
Coding change: c.1345-13_1345-12del on transcript NM_024642.5 (MANE Select); 13 bases into the intron before coding-DNA position 1345 through 12 bases into the intron before coding-DNA position 1345, 2 bases deleted (AT; older notation c.1345-13_1345-12delAT).
Molecular consequence: intron variant.
Genome position (GRCh38, 1-based): chr9:98,844,083-98,844,084, AT deleted; deleting any 2 consecutive bases within chr9:98,844,082-98,844,084 gives the same sequence; the c. name uses the placement nearest the transcript's 3' end. VCF-style (leftmost placement, unchanged base first): chr9-98844081-TTA-T. GRCh37 (hg19) VCF-style: chr9-101606363-TTA-T.
Identifiers: ClinVar variation 1604184 (VCV001604184.9), dbSNP rs1485334434, ClinGen allele CA589352708.
Genomic context (GRCh38, chr9:98,844,081, plus strand): 5'-CCTCCCCAAGCCTTGTGTGGCATCTGTTAGTGTCTATAAATCTGGACTGAAATGCCACAT[TTA>T]TGTTTTATTTAGCTCCAGAACAAAGGACTAACAGACTACTGCTTTGACTATAACCCTCCC-3'